The following is an entry in ClinVar:

NM_001174147.2(LMX1B):c.327-2A>G

Gene: LMX1B (LIM homeobox transcription factor 1 beta; plus strand). Cytogenetic location: 9q33.3.
Variant type: single nucleotide variant.
Coding change: c.327-2A>G on transcript NM_001174147.2 (MANE Select); the canonical splice acceptor site of the intron before coding-DNA position 327, A replaced by G.
Molecular consequence: splice acceptor variant.
Genome position (GRCh38, 1-based): chr9:126,690,834, A>G. VCF-style: chr9-126690834-A-G. GRCh37 (hg19) VCF-style: chr9-129453113-A-G.
Other names: c.327-2A>G (NM_001174146.2, NM_002316.4).
Identifiers: ClinVar variation 1459042 (VCV001459042.8), dbSNP rs2118986578, ClinGen allele CA374912069.

ClinVar aggregate classification (germline): Pathogenic (1 of 4 stars; one submission).

Submission:

Labcorp Genetics (formerly Invitae), Labcorp
Classification: Pathogenic. Last evaluated: 2021-01-01. Review status: criteria provided, single submitter. Criteria: Invitae Variant Classification Sherloc (09022015). Collection method: clinical testing. Allele origin: germline.
Comment: For these reasons, this variant has been classified as Pathogenic. Algorithms developed to predict the effect of sequence changes on RNA splicing suggest that this variant may disrupt the consensus splice site, but this prediction has not been confirmed by published transcriptional studies. This variant has been observed in individual(s) with nail patella syndrome (PMID: 10571942, Invitae). This variant is also known as 258-2A>G. This variant is not present in population databases (ExAC no frequency). This sequence change affects an acceptor splice site in intron 2 of the LMX1B gene. It is expected to disrupt RNA splicing. Variants that disrupt the donor or acceptor splice site typically lead to a loss of protein function (PMID: 16199547), and loss-of-function variants in LMX1B are known to be pathogenic (PMID: 9590287, 15498463).

Literature cited by the submitters: PubMed 10571942; PubMed 16199547; PubMed 9590287; PubMed 15498463.